The following is an entry in ClinVar:

NM_024422.6(DSC2):c.943-3C>T

Gene: DSC2 (desmocollin 2; minus strand). Cytogenetic location: 18q12.1.
Variant type: single nucleotide variant.
Coding change: c.943-3C>T on transcript NM_024422.6 (MANE Select); 3 bases into the intron before coding-DNA position 943, C replaced by T.
Molecular consequence: intron variant.
Genome position (GRCh38, 1-based): chr18:31,083,063, G>A on the plus strand (C>T on the coding strand, the complement: DSC2 is on the minus strand). VCF-style: chr18-31083063-G-A. GRCh37 (hg19) VCF-style: chr18-28663029-G-A.
Other names: c.943-3C>T (NM_004949.5); c.514-3C>T (NM_001406506.1, NM_001406507.1).
Identifiers: ClinVar variation 2988946 (VCV002988946.3), dbSNP rs2510949036, ClinGen allele CA2641387878.

ClinVar aggregate classification (germline): Uncertain significance (1 of 4 stars; one submission).

Conditions:
Arrhythmogenic right ventricular dysplasia 11. Also called: ARRHYTHMOGENIC RIGHT VENTRICULAR DYSPLASIA, FAMILIAL, 11; Arrhythmogenic Right Ventricular Dysplasia/Cardiomyopathy11; Arrhythmogenic right ventricular dysplasia 11 with mild palmoplantar keratoderma and woolly hair. Identifiers: MedGen C1864850, MONDO:0012506, OMIM 610476.

Submission:

Labcorp Genetics (formerly Invitae), Labcorp
Classification: Uncertain significance for Arrhythmogenic right ventricular dysplasia 11. Last evaluated: 2025-01-14. Review status: criteria provided, single submitter. Criteria: Invitae Variant Classification Sherloc (09022015). Collection method: clinical testing. Allele origin: germline.
Comment: This sequence change falls in intron 7 of the DSC2 gene. It does not directly change the encoded amino acid sequence of the DSC2 protein. It affects a nucleotide within the consensus splice site. This variant is not present in population databases (gnomAD no frequency). This variant has not been reported in the literature in individuals affected with DSC2-related conditions. ClinVar contains an entry for this variant (Variation ID: 2988946). Variants that disrupt the consensus splice site are a relatively common cause of aberrant splicing (PMID: 17576681, 9536098). Algorithms developed to predict the effect of sequence changes on RNA splicing suggest that this variant is not likely to affect RNA splicing. In summary, the available evidence is currently insufficient to determine the role of this variant in disease. Therefore, it has been classified as a Variant of Uncertain Significance.

Literature cited by the submitters: PubMed 17576681; PubMed 9536098.